The following is an entry in ClinVar:

ClinVar aggregate classification (germline): Uncertain significance. Review status: criteria provided, single submitter (1 of 4 stars). 2 submissions from 2 submitters: Uncertain significance (1). 1 of the submissions does not count toward it. Last evaluated 2025-03-21.

Submissions (2):

Women's Health and Genetics/Laboratory Corporation of America, LabCorp
Classification: Uncertain significance. Last evaluated: 2025-03-21. Review status: criteria provided, single submitter. Criteria: LabCorp Variant Classification Summary - May 2015. Collection method: clinical testing. Allele origin: germline.
Comment: Variant summary: OTC c.227T>C (p.Leu76Ser) results in a non-conservative amino acid change in the encoded protein sequence. Four of five in-silico tools predict a damaging effect of the variant on protein function. The variant was absent in 182630 control chromosomes. c.227T>C has been reported in the literature in at least two individuals affected with Ornithine Transcarbamylase Deficiency (Genet_2000, Kido_2021). These data indicate that the variant may be associated with disease. At least one publication reports experimental evidence evaluating an impact on protein function, however, does not allow convincing conclusions about the variant effect (Lo_2023). The following publications have been ascertained in the context of this evaluation (PMID: 11117428, 33851512, 37146589). ClinVar contains an entry for this variant (Variation ID: 97137). Based on the evidence outlined above, the variant was classified as VUS-possibly pathogenic.

GenMed Metabolism Lab
Classification: Pathogenic. Review status: no assertion criteria provided. Collection method: not provided. Allele origin: unknown. Not counted in ClinVar's aggregate classification.
Comment: p.Leu76Ser, Neonatal
ClinVar note: Converted during submission from pathogenic to Pathogenic.

Literature cited by the submitters: PubMed 33851512 (cited by Women's Health and Genetics/Laboratory Corporation of America, LabCorp); PubMed 11117428 (cited by Women's Health and Genetics/Laboratory Corporation of America, LabCorp); PubMed 37146589 (cited by Women's Health and Genetics/Laboratory Corporation of America, LabCorp).

NM_000531.6(OTC):c.227T>C (p.Leu76Ser)

Gene: OTC (ornithine transcarbamylase; plus strand). Cytogenetic location: Xp11.4.
Variant type: single nucleotide variant.
Coding change: c.227T>C on transcript NM_000531.6 (MANE Select); coding-DNA position 227, T replaced by C.
Protein change: p.Leu76Ser; replaces leucine 76 with serine.
Molecular consequence: missense variant.
Genome position (GRCh38, 1-based): chrX:38,369,806, T>C. VCF-style: chrX-38369806-T-C. GRCh37 (hg19) VCF-style: chrX-38229059-T-C.
Other names: short protein forms L76S.
Identifiers: ClinVar variation 97137 (VCV000097137.3), dbSNP rs72554328, ClinGen allele CA224505.